The following is an entry in ClinVar:

NM_003628.6(PKP4):c.3304G>A (p.Ala1102Thr)

Genes: PKP4 (plakophilin 4; plus strand), PKP4-AS1 (PKP4 antisense RNA 1; minus strand). Cytogenetic location: 2q24.1.
Variant type: single nucleotide variant.
Coding change: c.3304G>A on transcript NM_003628.6 (MANE Select); coding-DNA position 3304, G replaced by A.
Protein change: p.Ala1102Thr; replaces alanine 1102 with threonine.
Molecular consequence: missense variant.
Genome position (GRCh38, 1-based): chr2:158,678,628, G>A. VCF-style: chr2-158678628-G-A. GRCh37 (hg19) VCF-style: chr2-159535140-G-A.
Other names: c.3175G>A, p.Ala1059Thr (NM_001005476.4, NM_001377225.1); c.3301G>A, p.Ala1101Thr (NM_001304969.3, NM_001377219.1, NM_001377220.1 and 1 more transcripts); c.2275G>A, p.Ala759Thr (NM_001304970.3); c.3304G>A, p.Ala1102Thr (NM_001377218.1); c.3298G>A, p.Ala1100Thr (NM_001377222.1, NM_001377223.1); c.3295G>A, p.Ala1099Thr (NM_001377224.1); c.3172G>A, p.Ala1058Thr (NM_001377226.1); short protein forms A1059T, A1058T, A759T, A1099T, A1101T, A1102T, A1100T.
Identifiers: ClinVar variation 1730012 (VCV001730012.2), dbSNP rs1042377574, ClinGen allele CA58652125.

ClinVar aggregate classification (germline): Uncertain significance (1 of 4 stars; one submission).

Submission:

Ambry Genetics
Classification: Uncertain significance. Last evaluated: 2022-09-26. Review status: criteria provided, single submitter. Criteria: Ambry Variant Classification Scheme 2023. Collection method: clinical testing. Allele origin: germline.
Comment: The p.A1102T variant (also known as c.3304G>A), located in coding exon 20 of the PKP4 gene, results from a G to A substitution at nucleotide position 3304. The alanine at codon 1102 is replaced by threonine, an amino acid with similar properties. This amino acid position is conserved. In addition, this alteration is predicted to be tolerated by in silico analysis. Since supporting evidence is limited at this time, the clinical significance of this alteration remains unclear.